The following is an entry in ClinVar:

ClinVar aggregate classification (germline): Uncertain significance (1 of 4 stars; one submission).

Submission:

Labcorp Genetics (formerly Invitae), Labcorp
Classification: Uncertain significance. Last evaluated: 2022-03-13. Review status: criteria provided, single submitter. Criteria: Invitae Variant Classification Sherloc (09022015). Collection method: clinical testing. Allele origin: germline.
Comment: This sequence change replaces proline, which is neutral and non-polar, with serine, which is neutral and polar, at codon 1500 of the ABCA4 protein (p.Pro1500Ser). This variant is not present in population databases (gnomAD no frequency). This variant has not been reported in the literature in individuals affected with ABCA4-related conditions. Advanced modeling of protein sequence and biophysical properties (such as structural, functional, and spatial information, amino acid conservation, physicochemical variation, residue mobility, and thermodynamic stability) performed at Invitae indicates that this missense variant is expected to disrupt ABCA4 protein function. In summary, the available evidence is currently insufficient to determine the role of this variant in disease. Therefore, it has been classified as a Variant of Uncertain Significance.

NM_000350.3(ABCA4):c.4498C>T (p.Pro1500Ser)

Gene: ABCA4 (ATP binding cassette subfamily A member 4; minus strand). Cytogenetic location: 1p22.1.
Variant type: single nucleotide variant.
Coding change: c.4498C>T on transcript NM_000350.3 (MANE Select); coding-DNA position 4498, C replaced by T.
Protein change: p.Pro1500Ser; replaces proline 1500 with serine.
Molecular consequence: missense variant.
Genome position (GRCh38, 1-based): chr1:94,029,486, G>A on the plus strand (C>T on the coding strand, the complement: ABCA4 is on the minus strand). VCF-style: chr1-94029486-G-A. GRCh37 (hg19) VCF-style: chr1-94495042-G-A.
Other names: c.4276C>T, p.Pro1426Ser (NM_001425324.1); short protein forms P1500S, P1426S.
Identifiers: ClinVar variation 2109413 (VCV002109413.4), dbSNP rs1038083678, ClinGen allele CA26853493.